The following is an entry in ClinVar:

ClinVar aggregate classification (germline): Uncertain significance (1 of 4 stars; one submission).

Submission:

GeneDx
Classification: Uncertain significance. Last evaluated: 2026-07-30. Review status: criteria provided, single submitter. Criteria: GeneDx Variant Classification Process June 2021. Collection method: clinical testing. Allele origin: germline.
Comment: Not observed at significant frequency in large population cohorts (gnomAD); In silico analysis suggests that this missense variant does not alter protein structure/function; Has not been previously published as pathogenic or benign to our knowledge

NM_014633.5(CTR9):c.2839G>A (p.Gly947Ser)

Gene: CTR9 (CTR9 component of Paf1/RNA polymerase II complex; plus strand). Cytogenetic location: 11p15.4.
Variant type: single nucleotide variant.
Coding change: c.2839G>A on transcript NM_014633.5 (MANE Select); coding-DNA position 2839, G replaced by A.
Protein change: p.Gly947Ser; replaces glycine 947 with serine.
Molecular consequence: missense variant.
Genome position (GRCh38, 1-based): chr11:10,774,123, G>A. VCF-style: chr11-10774123-G-A. GRCh37 (hg19) VCF-style: chr11-10795670-G-A.
Other names: c.2767G>A, p.Gly923Ser (NM_001346279.2); short protein forms G923S, G947S.
Identifiers: ClinVar variation 4539932 (VCV004539932.2).